The following is an entry in ClinVar:

NM_139285.4(GAS2L2):c.991C>A (p.Arg331=)

Gene: GAS2L2 (growth arrest specific 2 like 2; minus strand). Cytogenetic location: 17q12.
Variant type: single nucleotide variant.
Coding change: c.991C>A on transcript NM_139285.4 (MANE Select); coding-DNA position 991, C replaced by A.
Protein change: p.Arg331=; no amino-acid change (arginine 331 retained).
Molecular consequence: synonymous variant.
Genome position (GRCh38, 1-based): chr17:35,747,110, G>T on the plus strand (C>A on the coding strand, the complement: GAS2L2 is on the minus strand). VCF-style: chr17-35747110-G-T. GRCh37 (hg19) VCF-style: chr17-34074129-G-T.
Identifiers: ClinVar variation 4993614 (VCV004993614.1).

ClinVar aggregate classification (germline): Likely benign (1 of 4 stars; one submission).

Conditions:
GAS2L2-related disorder. Also called: GAS2L2-related condition.

gnomAD v4.1: 2 of 1,613,146 alleles (0.00012%); highest among the groups gnomAD compares: East Asian, 0.0045%; no homozygotes.

Submission:

PreventionGenetics, part of Exact Sciences
Classification: Likely benign for GAS2L2-related condition. Last evaluated: 2026-07-20. Review status: criteria provided, single submitter. Criteria: ACMG Guidelines, 2015. Collection method: clinical testing. Allele origin: germline.
Comment: This variant is classified as likely benign based on ACMG/AMP sequence variant interpretation guidelines (Richards et al. 2015 PMID: 25741868, with internal and published modifications).